The following is an entry in ClinVar:

ClinVar aggregate classification (germline): Uncertain significance. Review status: criteria provided, multiple submitters, no conflicts (2 of 4 stars). 3 submissions from 3 submitters: Uncertain significance (3). Last evaluated 2021-08-31.

Conditions:
Cardiovascular phenotype. Identifiers: MedGen CN230736.

Allele frequency attached by ClinVar (database versions not stated): gnomAD exomes 0.00001 and 0.00002; ExAC 0.00002; gnomAD 0.00002; TOPMed 0.00002.
gnomAD v4.1: 19 of 1,613,986 alleles (0.0012%); highest among the groups gnomAD compares: Admixed American, 0.0017%; no homozygotes.

Submissions (3):

Labcorp Genetics (formerly Invitae), Labcorp
Classification: Uncertain significance. Last evaluated: 2021-08-31. Review status: criteria provided, single submitter. Criteria: Invitae Variant Classification Sherloc (09022015). Collection method: clinical testing. Allele origin: germline.
Comment: This sequence change replaces serine with asparagine at codon 551 of the PRDM5 protein (p.Ser551Asn). The serine residue is weakly conserved and there is a small physicochemical difference between serine and asparagine. This variant is present in population databases (rs752221668, ExAC 0.003%). This variant has not been reported in the literature in individuals affected with PRDM5-related conditions. ClinVar contains an entry for this variant (Variation ID: 194550). Algorithms developed to predict the effect of missense changes on protein structure and function output the following: SIFT: "Tolerated"; PolyPhen-2: "Benign"; Align-GVGD: "Class C0". The asparagine amino acid residue is found in multiple mammalian species, which suggests that this missense change does not adversely affect protein function. In summary, the available evidence is currently insufficient to determine the role of this variant in disease. Therefore, it has been classified as a Variant of Uncertain Significance.

Ambry Genetics
Classification: Uncertain significance for Cardiovascular phenotype. Last evaluated: 2021-08-10. Review status: criteria provided, single submitter. Criteria: Ambry Variant Classification Scheme 2023. Collection method: clinical testing. Allele origin: germline.
Comment: The p.S551N variant (also known as c.1652G>A), located in coding exon 15 of the PRDM5 gene, results from a G to A substitution at nucleotide position 1652. The serine at codon 551 is replaced by asparagine, an amino acid with highly similar properties. This amino acid position is conserved. In addition, this alteration is predicted to be tolerated by in silico analysis. Since supporting evidence is limited at this time, the clinical significance of this alteration remains unclear.

Eurofins Ntd Llc (ga)
Classification: Uncertain significance. Last evaluated: 2015-04-28. Review status: criteria provided, single submitter. Criteria: EGL Classification Definitions 2015. Collection method: clinical testing. Allele origin: germline. Observed: 1 variant allele, 1 heterozygote.

NM_018699.4(PRDM5):c.1652G>A (p.Ser551Asn)

Gene: PRDM5 (PR/SET domain 5; minus strand). Cytogenetic location: 4q27.
Variant type: single nucleotide variant.
Coding change: c.1652G>A on transcript NM_018699.4 (MANE Select); coding-DNA position 1652, G replaced by A.
Protein change: p.Ser551Asn; replaces serine 551 with asparagine.
Molecular consequence: missense variant. On other transcripts: synonymous variant (1), intron variant (1).
Genome position (GRCh38, 1-based): chr4:120,710,385, C>T on the plus strand (G>A on the coding strand, the complement: PRDM5 is on the minus strand). VCF-style: chr4-120710385-C-T. GRCh37 (hg19) VCF-style: chr4-121631540-C-T.
Other names: c.1559G>A, p.Ser520Asn (NM_001300823.2); c.1473G>A, p.Gln491= (NM_001300824.2); c.1685G>A, p.Ser562Asn (NM_001379104.1); c.1531-15110G>A (NM_001379106.1); short protein forms S551N, S520N, S562N.
Identifiers: ClinVar variation 194550 (VCV000194550.9), dbSNP rs752221668, ClinGen allele CA240580.